The following is an entry in ClinVar:

ClinVar aggregate classification (germline): Likely pathogenic (0 of 4 stars; one submission).

Conditions:
DSP-related disorder. Also called: DSP-related disorders; DSP-related condition.

Submission:

PreventionGenetics, part of Exact Sciences
Classification: Likely pathogenic for DSP-related condition. Last evaluated: 2024-07-18. Review status: no assertion criteria provided. Collection method: clinical testing. Allele origin: germline.
Comment: The DSP c.3552delG variant is predicted to result in a frameshift and premature protein termination (p.Lys1185Argfs*11). To our knowledge, this variant has not been reported in the literature or in a large population database, indicating this variant is rare. Frameshift variants in DSP are expected to be pathogenic. This variant is interpreted as likely pathogenic.

NM_004415.4(DSP):c.3552del (p.Lys1185fs)

Gene: DSP (desmoplakin; plus strand). Cytogenetic location: 6p24.3.
Variant type: Deletion.
Coding change: c.3552del on transcript NM_004415.4 (MANE Select); coding-DNA position 3552, one base deleted (G; older notation c.3552delG).
Protein change: p.Lys1185fs; shifts the reading frame from lysine 1185.
Molecular consequence: frameshift variant.
Genome position (GRCh38, 1-based): chr6:7,579,742, G deleted; the last of 2 consecutive G bases (chr6:7,579,741-7,579,742); deleting either gives the same sequence. VCF-style (leftmost placement, unchanged base first): chr6-7579740-CG-C. GRCh37 (hg19) VCF-style: chr6-7579973-CG-C.
Other names: c.3552del, p.Lys1185fs (NM_001008844.3, NM_001319034.2); short protein forms K1185fs.
Identifiers: ClinVar variation 3347771 (VCV003347771.1).
Genomic context (GRCh38, chr6:7,579,740, plus strand): 5'-ATCAAGGAGAAGGAGTACGAGATTGAAAGGTTGAGGGTTCTACTGCAGGAAGAAGGCACC[CG>C]GAAGAGAGAATATGAAAATGAGCTGGCAAAGGTAAGAAACCACTATAATGAGGAGATGAG-3'